The following is an entry in ClinVar:

NM_012469.4(PRPF6):c.2720G>A (p.Arg907Gln)

Gene: PRPF6 (pre-mRNA processing factor 6; plus strand). Cytogenetic location: 20q13.33.
Variant type: single nucleotide variant.
Coding change: c.2720G>A on transcript NM_012469.4 (MANE Select); coding-DNA position 2720, G replaced by A.
Protein change: p.Arg907Gln; replaces arginine 907 with glutamine.
Molecular consequence: missense variant.
Genome position (GRCh38, 1-based): chr20:64,032,887, G>A. VCF-style: chr20-64032887-G-A. GRCh37 (hg19) VCF-style: chr20-62664240-G-A.
Other names: short protein forms R907Q.
Identifiers: ClinVar variation 2124354 (VCV002124354.4), dbSNP rs1569227873, ClinGen allele CA409748117.

ClinVar aggregate classification (germline): Uncertain significance (1 of 4 stars; one submission).

Allele frequency attached by ClinVar (database versions not stated): gnomAD exomes below 0.00001.
gnomAD v4.1: 4 of 1,612,970 alleles (0.00025%); highest among the groups gnomAD compares: Non-Finnish European, 0.00034%; no homozygotes.

Submission:

Labcorp Genetics (formerly Invitae), Labcorp
Classification: Uncertain significance. Last evaluated: 2022-04-10. Review status: criteria provided, single submitter. Criteria: Invitae Variant Classification Sherloc (09022015). Collection method: clinical testing. Allele origin: germline.
Comment: This variant is not present in population databases (gnomAD no frequency). This variant has not been reported in the literature in individuals affected with PRPF6-related conditions. In summary, the available evidence is currently insufficient to determine the role of this variant in disease. Therefore, it has been classified as a Variant of Uncertain Significance. Algorithms developed to predict the effect of missense changes on protein structure and function are either unavailable or do not agree on the potential impact of this missense change (SIFT: "Tolerated"; PolyPhen-2: "Possibly Damaging"; Align-GVGD: "Class C0"). This sequence change replaces arginine, which is basic and polar, with glutamine, which is neutral and polar, at codon 907 of the PRPF6 protein (p.Arg907Gln).